The following is an entry in ClinVar:

ClinVar aggregate classification (germline): Uncertain significance (1 of 4 stars; one submission).

Conditions:
Hereditary breast ovarian cancer syndrome. Also called: Hereditary breast and ovarian cancer; BRCA1- and BRCA2-Associated Hereditary Breast and Ovarian Cancer; Hereditary breast and ovarian cancer syndrome; Hereditary breast and ovarian cancer syndrome (HBOC); Breast and ovarian cancer; Hereditary breast and/or ovarian cancer syndrome. Identifiers: Orphanet 145, MedGen C0677776, MeSH D061325, MONDO:0003582. Disease mechanism: loss of function.

gnomAD v4.1: 1 of 1,613,918 alleles (0.000062%); highest among the groups gnomAD compares: Non-Finnish European, 0.000085%; no homozygotes.

Submission:

Labcorp Genetics (formerly Invitae), Labcorp
Classification: Uncertain significance for Hereditary breast ovarian cancer syndrome. Last evaluated: 2023-02-10. Review status: criteria provided, single submitter. Criteria: Invitae Variant Classification Sherloc (09022015). Collection method: clinical testing. Allele origin: germline.
Comment: This sequence change replaces glycine, which is neutral and non-polar, with alanine, which is neutral and non-polar, at codon 1552 of the BRCA2 protein (p.Gly1552Ala). In summary, the available evidence is currently insufficient to determine the role of this variant in disease. Therefore, it has been classified as a Variant of Uncertain Significance. Advanced modeling of protein sequence and biophysical properties (such as structural, functional, and spatial information, amino acid conservation, physicochemical variation, residue mobility, and thermodynamic stability) performed at Invitae indicates that this missense variant is not expected to disrupt BRCA2 protein function. This variant has not been reported in the literature in individuals affected with BRCA2-related conditions. This variant is not present in population databases (gnomAD no frequency).

NM_000059.4(BRCA2):c.4655G>C (p.Gly1552Ala)

Gene: BRCA2 (BRCA2 DNA repair associated; plus strand). Cytogenetic location: 13q13.1.
Variant type: single nucleotide variant.
Coding change: c.4655G>C on transcript NM_000059.4 (MANE Select); coding-DNA position 4655, G replaced by C.
Protein change: p.Gly1552Ala; replaces glycine 1552 with alanine.
Molecular consequence: missense variant. On other transcripts: non-coding transcript variant (1), intron variant (2).
Genome position (GRCh38, 1-based): chr13:32,339,010, G>C. VCF-style: chr13-32339010-G-C. GRCh37 (hg19) VCF-style: chr13-32913147-G-C.
Other names: c.4655G>C, p.Gly1552Ala (NM_001406719.1, NM_001406720.1); c.1910-5548G>C (NM_001406721.1); c.425-5548G>C (NM_001406722.1); short protein forms G1552A.
Identifiers: ClinVar variation 2832629 (VCV002832629.3), dbSNP rs80358696, ClinGen allele CA387782216.